The following is an entry in ClinVar:

ClinVar aggregate classification (germline): Uncertain significance (1 of 4 stars; one submission).

Submission:

GeneDx
Classification: Uncertain significance. Last evaluated: 2023-10-19. Review status: criteria provided, single submitter. Criteria: GeneDx Variant Classification Process June 2021. Collection method: clinical testing. Allele origin: germline. Affected: yes.
Comment: Has not been previously published as pathogenic or benign to our knowledge; Not observed at significant frequency in large population cohorts (gnomAD); In silico analysis supports that this missense variant has a deleterious effect on protein structure/function; This variant is associated with the following publications: (PMID: 12938084)

NM_000138.5(FBN1):c.6239A>C (p.Lys2080Thr)

Gene: FBN1 (fibrillin 1; minus strand). Cytogenetic location: 15q21.1.
Variant type: single nucleotide variant.
Coding change: c.6239A>C on transcript NM_000138.5 (MANE Select); coding-DNA position 6239, A replaced by C.
Protein change: p.Lys2080Thr; replaces lysine 2080 with threonine.
Molecular consequence: missense variant.
Genome position (GRCh38, 1-based): chr15:48,437,842, T>G on the plus strand (A>C on the coding strand, the complement: FBN1 is on the minus strand). VCF-style: chr15-48437842-T-G. GRCh37 (hg19) VCF-style: chr15-48730039-T-G.
Other names: c.6239A>C, p.Lys2080Thr (NM_001406716.1); short protein forms K2080T.
Identifiers: ClinVar variation 3366271 (VCV003366271.1).